The following is an entry in ClinVar:

ClinVar aggregate classification (germline): Benign/Likely benign. Review status: criteria provided, multiple submitters, no conflicts (2 of 4 stars). 4 submissions from 4 submitters: Benign (1); Likely benign (2). 1 of the submissions does not count toward it. Last evaluated 2026-02-01.

Conditions:
HMOX1-related disorder. Also called: HMOX1-related condition.

Allele frequency attached by ClinVar (database versions not stated): ESP Exome Variant Server 0.00015.
gnomAD v4.1: 371 of 1,613,614 alleles (0.023%); highest among the groups gnomAD compares: Middle Eastern, 0.033%; no homozygotes.

Submissions (4):

Labcorp Genetics (formerly Invitae), Labcorp
Classification: Benign. Last evaluated: 2026-02-01. Review status: criteria provided, single submitter. Criteria: Invitae Variant Classification Sherloc (09022015). Collection method: clinical testing. Allele origin: germline.

CeGaT Center for Human Genetics Tuebingen
Classification: Likely benign. Last evaluated: 2025-07-01. Review status: criteria provided, single submitter. Criteria: CeGaT Center For Human Genetics Tuebingen Variant Classification Criteria Version 2. Collection method: clinical testing. Allele origin: germline. Affected: yes. Observed: 1 variant allele.
Comment: HMOX1: BP4, BP7

Blueprint Genetics
Classification: Likely benign. Last evaluated: 2024-10-08. Review status: criteria provided, single submitter. Criteria: ACMG Guidelines, 2015. Collection method: clinical testing. Allele origin: germline.

PreventionGenetics, part of Exact Sciences
Classification: Benign for HMOX1-related condition. Last evaluated: 2019-11-05. Review status: no assertion criteria provided. Collection method: clinical testing. Allele origin: germline. Not counted in ClinVar's aggregate classification.
Comment: This variant is classified as benign based on ACMG/AMP sequence variant interpretation guidelines (Richards et al. 2015 PMID: 25741868, with internal and published modifications).

NM_002133.3(HMOX1):c.579C>T (p.Pro193=)

Gene: HMOX1 (heme oxygenase 1; plus strand). Cytogenetic location: 22q12.3.
Variant type: single nucleotide variant.
Coding change: c.579C>T on transcript NM_002133.3 (MANE Select); coding-DNA position 579, C replaced by T.
Protein change: p.Pro193=; no amino-acid change (proline 193 retained).
Molecular consequence: synonymous variant.
Genome position (GRCh38, 1-based): chr22:35,387,119, C>T. VCF-style: chr22-35387119-C-T. GRCh37 (hg19) VCF-style: chr22-35783112-C-T.
Other names: c.579C>T (NM_002133.2).
Identifiers: ClinVar variation 1165490 (VCV001165490.20), dbSNP rs142857696, ClinGen allele CA10204753.